The following is an entry in ClinVar:

NM_002691.4(POLD1):c.1051C>G (p.Leu351Val)

Gene: POLD1 (DNA polymerase delta 1, catalytic subunit; plus strand). Cytogenetic location: 19q13.33.
Variant type: single nucleotide variant.
Coding change: c.1051C>G on transcript NM_002691.4 (MANE Select); coding-DNA position 1051, C replaced by G.
Protein change: p.Leu351Val; replaces leucine 351 with valine.
Molecular consequence: missense variant. On other transcripts: non-coding transcript variant (1).
Genome position (GRCh38, 1-based): chr19:50,403,133, C>G. VCF-style: chr19-50403133-C-G. GRCh37 (hg19) VCF-style: chr19-50906390-C-G.
Other names: c.1051C>G, p.Leu351Val (NM_001256849.1, NM_001308632.1); c.1051C>G (NM_002691.2); short protein forms L351V.
Identifiers: ClinVar variation 2725417 (VCV002725417.5), dbSNP rs1555790421, ClinGen allele CA406978167.

ClinVar aggregate classification (germline): Uncertain significance. Review status: criteria provided, multiple submitters, no conflicts (2 of 4 stars). 2 submissions from 2 submitters: Uncertain significance (2). Last evaluated 2025-09-27.

Conditions:
POLD1-related polyposis and colorectal cancer syndrome (CRCS10). Also called: Colorectal cancer 10; Colorectal cancer, susceptibility to, 10; COLORECTAL CANCER, SUSCEPTIBILITY TO, ON CHROMOSOME 19q. Identifiers: Orphanet 220460, MedGen C2675481, MONDO:0012953, OMIM 612591.
Hereditary cancer-predisposing syndrome. Also called: Tumor predisposition; Hereditary Cancer Syndrome; Hereditary neoplastic syndrome; Neoplastic Syndromes, Hereditary. Identifiers: Orphanet 140162, MedGen C0027672, MeSH D009386, MONDO:0015356.

Submissions (2):

Ambry Genetics
Classification: Uncertain significance for Hereditary cancer-predisposing syndrome. Last evaluated: 2025-09-27. Review status: criteria provided, single submitter. Criteria: Ambry Variant Classification Scheme 2023. Collection method: clinical testing. Allele origin: germline.
Comment: The p.L351V variant (also known as c.1051C>G), located in coding exon 8 of the POLD1 gene, results from a C to G substitution at nucleotide position 1051. The leucine at codon 351 is replaced by valine, an amino acid with highly similar properties. This amino acid position is conserved. In addition, this alteration is predicted to be tolerated by in silico analysis. Based on the available evidence, the clinical significance of this variant remains unclear.

Labcorp Genetics (formerly Invitae), Labcorp
Classification: Uncertain significance for POLD1-related polyposis and colorectal cancer syndrome. Last evaluated: 2025-06-25. Review status: criteria provided, single submitter. Criteria: Invitae Variant Classification Sherloc (09022015). Collection method: clinical testing. Allele origin: germline.
Comment: This sequence change replaces leucine, which is neutral and non-polar, with valine, which is neutral and non-polar, at codon 351 of the POLD1 protein (p.Leu351Val). This variant is not present in population databases (gnomAD no frequency). This variant has not been reported in the literature in individuals affected with POLD1-related conditions. ClinVar contains an entry for this variant (Variation ID: 2725417). Invitae Evidence Modeling of protein sequence and biophysical properties (such as structural, functional, and spatial information, amino acid conservation, physicochemical variation, residue mobility, and thermodynamic stability) indicates that this missense variant is not expected to disrupt POLD1 protein function with a negative predictive value of 80%. In summary, the available evidence is currently insufficient to determine the role of this variant in disease. Therefore, it has been classified as a Variant of Uncertain Significance.